The following is an entry in ClinVar:

ClinVar aggregate classification (germline): Uncertain significance (1 of 4 stars; one submission).

Submission:

Labcorp Genetics (formerly Invitae), Labcorp
Classification: Uncertain significance. Last evaluated: 2025-02-05. Review status: criteria provided, single submitter. Criteria: Invitae Variant Classification Sherloc (09022015). Collection method: clinical testing. Allele origin: germline.
Comment: This sequence change replaces alanine, which is neutral and non-polar, with proline, which is neutral and non-polar, at codon 652 of the NEFH protein (p.Ala652Pro). This variant is not present in population databases (gnomAD no frequency). This variant has not been reported in the literature in individuals affected with NEFH-related conditions. ClinVar contains an entry for this variant (Variation ID: 2876956). Invitae Evidence Modeling of protein sequence and biophysical properties (such as structural, functional, and spatial information, amino acid conservation, physicochemical variation, residue mobility, and thermodynamic stability) indicates that this missense variant is not expected to disrupt NEFH protein function with a negative predictive value of 95%. In summary, the available evidence is currently insufficient to determine the role of this variant in disease. Therefore, it has been classified as a Variant of Uncertain Significance.

NM_021076.4(NEFH):c.1954G>C (p.Ala652Pro)

Gene: NEFH (neurofilament heavy chain; plus strand). Cytogenetic location: 22q12.2.
Variant type: single nucleotide variant.
Coding change: c.1954G>C on transcript NM_021076.4 (MANE Select); coding-DNA position 1954, G replaced by C.
Protein change: p.Ala652Pro; replaces alanine 652 with proline.
Molecular consequence: missense variant.
Genome position (GRCh38, 1-based): chr22:29,489,594, G>C. VCF-style: chr22-29489594-G-C. GRCh37 (hg19) VCF-style: chr22-29885583-G-C.
Other names: short protein forms A652P.
Identifiers: ClinVar variation 2876956 (VCV002876956.3), dbSNP rs2517977928, ClinGen allele CA411132741.
Genomic context (GRCh38, chr22:29,489,594, plus strand): 5'-GTCAAGTCCCCGGAAAAGGCCAAGTCTCCAACGAAGGAGGAAGCAAAGTCCCCTGAGAAG[G>C]CCAAGTCCCCAGAGAAGGAAGAGGCCAAGTCCCCTGAGAAGGCCAAGTCCCCAGTGAAGG-3'
Protein context (NP_066554.2, residues 642-662): TKEEAKSPEK[Ala652Pro]KSPEKEEAKS